The following is an entry in ClinVar:

ClinVar aggregate classification (germline): Uncertain significance. Review status: criteria provided, multiple submitters, no conflicts (2 of 4 stars). 3 submissions from 3 submitters: Uncertain significance (3). Last evaluated 2026-01-11.

Conditions:
Hereditary cancer-predisposing syndrome. Also called: Neoplastic Syndromes, Hereditary; Hereditary Cancer Syndrome; Tumor predisposition; Hereditary neoplastic syndrome. Identifiers: Orphanet 140162, MedGen C0027672, MeSH D009386, MONDO:0015356.

gnomAD v4.1: 2 of 1,613,620 alleles (0.00012%); highest among the groups gnomAD compares: Non-Finnish European, 0.00017%; no homozygotes.

Submissions (3):

Labcorp Genetics (formerly Invitae), Labcorp
Classification: Uncertain significance. Last evaluated: 2026-01-11. Review status: criteria provided, single submitter. Criteria: Invitae Variant Classification Sherloc (09022015). Collection method: clinical testing. Allele origin: germline.
Comment: This sequence change replaces histidine, which is basic and polar, with leucine, which is neutral and non-polar, at codon 215 of the FH protein (p.His215Leu). This variant is not present in population databases (gnomAD no frequency). This variant has not been reported in the literature in individuals affected with FH-related conditions. ClinVar contains an entry for this variant (Variation ID: 855318). Invitae Evidence Modeling of protein sequence and biophysical properties (such as structural, functional, and spatial information, amino acid conservation, physicochemical variation, residue mobility, and thermodynamic stability) indicates that this missense variant is not expected to disrupt FH protein function with a negative predictive value of 95%. In summary, the available evidence is currently insufficient to determine the role of this variant in disease. Therefore, it has been classified as a Variant of Uncertain Significance.

Ambry Genetics
Classification: Uncertain significance for Hereditary cancer-predisposing syndrome. Last evaluated: 2024-01-17. Review status: criteria provided, single submitter. Criteria: Ambry Variant Classification Scheme 2023. Collection method: clinical testing. Allele origin: germline.
Comment: The p.H215L variant (also known as c.644A>T), located in coding exon 5 of the FH gene, results from an A to T substitution at nucleotide position 644. The histidine at codon 215 is replaced by leucine, an amino acid with similar properties. This amino acid position is not well conserved in available vertebrate species. In addition, the in silico prediction for this alteration is inconclusive. Since supporting evidence is limited at this time, the clinical significance of this alteration remains unclear.

Sema4
Classification: Uncertain significance for Hereditary cancer-predisposing syndrome. Last evaluated: 2021-07-22. Review status: criteria provided, single submitter. Criteria: Sema4 Curation Guidelines. Collection method: curation. Allele origin: germline.
Comment: The FH c.644A>T (p.H215L) variant has not been reported in the literature to our knowledge. It was not observed in the Genome Aggregation Database but has been reported in ClinVar (Variation ID 855318). Functional studies have not been performed, and in silico predictions of the variant's effect on protein function are inconclusive. The evidence is insufficient to meet ACMG/AMP criteria for classifying the variant as benign or pathogenic. Thus, the clinical significance of this variant is currently uncertain.

NM_000143.4(FH):c.644A>T (p.His215Leu)

Gene: FH (fumarate hydratase; minus strand). Cytogenetic location: 1q43.
Variant type: single nucleotide variant.
Coding change: c.644A>T on transcript NM_000143.4 (MANE Select); coding-DNA position 644, A replaced by T.
Protein change: p.His215Leu; replaces histidine 215 with leucine.
Molecular consequence: missense variant.
Genome position (GRCh38, 1-based): chr1:241,508,697, T>A on the plus strand (A>T on the coding strand, the complement: FH is on the minus strand). VCF-style: chr1-241508697-T-A. GRCh37 (hg19) VCF-style: chr1-241671997-T-A.
Other names: short protein forms H215L.
Identifiers: ClinVar variation 855318 (VCV000855318.13), dbSNP rs770141324, ClinGen allele CA345439326.